The following is an entry in ClinVar:

ClinVar aggregate classification (germline): Pathogenic (1 of 4 stars; one submission).

Conditions:
Salla disease (SD). Also called: Sialuria, Finnish type; N-acetylneuraminic acid (NANA) storage disease (NSD); Infantile sialic acid storage disorder (ISSD); Less Severe FSASD (Salla Disease). Identifiers: Orphanet 309334, Orphanet 834, MedGen C1096903, MONDO:0011449, OMIM 604369.

Submission:

Labcorp Genetics (formerly Invitae), Labcorp
Classification: Pathogenic for Salla disease. Last evaluated: 2020-02-01. Review status: criteria provided, single submitter. Criteria: Invitae Variant Classification Sherloc (09022015). Collection method: clinical testing. Allele origin: germline.
Comment: This variant is an out-of-frame deletion of the genomic region encompassing exon(s) 6 of the SLC17A5 gene. This is expected to create a premature translational stop signal and result in an absent or disrupted protein product. This variant has not been reported in the literature in individuals with SLC17A5-related conditions. Loss-of-function variants in SLC17A5 are known to be pathogenic (PMID: 10581036, 10947946, 15172001). For these reasons, this variant has been classified as Pathogenic.

Literature cited by the submitters: PubMed 10581036; PubMed 10947946; PubMed 15172001.

NC_000006.11:g.(?_74345095)_(74345233_?)del

Gene: SLC17A5 (solute carrier family 17 member 5; minus strand). Cytogenetic location: 6q13.
Variant type: Deletion.
Identifiers: ClinVar variation 1071719 (VCV001071719.4).